The following is an entry in ClinVar:

ClinVar aggregate classification (germline): Uncertain significance. Review status: criteria provided, multiple submitters, no conflicts (2 of 4 stars). 3 submissions from 3 submitters: Uncertain significance (3). Last evaluated 2024-02-22.

Conditions:
Early-infantile DEE. Also called: Early infantile epileptic encephalopathy; Ohtahara syndrome; Early infantile epileptic encephalopathy with suppression bursts. Identifiers: Orphanet 1934, MedGen C0393706, MONDO:0800491.

Allele frequency attached by ClinVar (database versions not stated): gnomAD exomes 0.00002; gnomAD 0.00003; TOPMed 0.00003.
gnomAD v4.1: 59 of 1,601,444 alleles (0.0037%); highest among the groups gnomAD compares: Non-Finnish European, 0.0049%; no homozygotes.

Submissions (3):

Labcorp Genetics (formerly Invitae), Labcorp
Classification: Uncertain significance for Early-infantile DEE. Last evaluated: 2024-02-22. Review status: criteria provided, single submitter. Criteria: Invitae Variant Classification Sherloc (09022015). Collection method: clinical testing. Allele origin: germline.
Comment: This sequence change replaces glutamic acid, which is acidic and polar, with aspartic acid, which is acidic and polar, at codon 85 of the HCN1 protein (p.Glu85Asp). This variant is present in population databases (no rsID available, gnomAD 0.005%). This variant has not been reported in the literature in individuals affected with HCN1-related conditions. ClinVar contains an entry for this variant (Variation ID: 287565). Advanced modeling of protein sequence and biophysical properties (such as structural, functional, and spatial information, amino acid conservation, physicochemical variation, residue mobility, and thermodynamic stability) performed at Invitae indicates that this missense variant is not expected to disrupt HCN1 protein function with a negative predictive value of 95%. In summary, the available evidence is currently insufficient to determine the role of this variant in disease. Therefore, it has been classified as a Variant of Uncertain Significance.

Blueprint Genetics
Classification: Uncertain significance. Last evaluated: 2023-11-17. Review status: criteria provided, single submitter. Criteria: ACMG Guidelines, 2015. Collection method: clinical testing. Allele origin: germline.

Eurofins Ntd Llc (ga)
Classification: Uncertain significance. Last evaluated: 2016-06-03. Review status: criteria provided, single submitter. Criteria: EGL Classification Definitions 2015. Collection method: clinical testing. Allele origin: germline. Observed: 1 variant allele, 1 heterozygote.

NM_021072.4(HCN1):c.255G>T (p.Glu85Asp)

Gene: HCN1 (hyperpolarization activated cyclic nucleotide gated potassium channel 1; minus strand). Cytogenetic location: 5p12.
Variant type: single nucleotide variant.
Coding change: c.255G>T on transcript NM_021072.4 (MANE Select); coding-DNA position 255, G replaced by T.
Protein change: p.Glu85Asp; replaces glutamic acid 85 with aspartic acid.
Molecular consequence: missense variant.
Genome position (GRCh38, 1-based): chr5:45,695,839, C>A on the plus strand (G>T on the coding strand, the complement: HCN1 is on the minus strand). VCF-style: chr5-45695839-C-A. GRCh37 (hg19) VCF-style: chr5-45695941-C-A.
Other names: short protein forms E85D.
Identifiers: ClinVar variation 287565 (VCV000287565.15), dbSNP rs868228427, ClinGen allele CA10605797.
Genomic context (GRCh38, chr5:45,695,839, plus strand): 5'-CCCGGGCTGCAGCATGGAGGTGAACTGCCTCTGCATGAAGCCGTACTGCCGCCGGGGCCC[C>A]TCGGCGTCTTCGAAGCCCCCCGCCGGCTCCTCGCCGCCGCCGCCGCCGCCGCCACCGCCG-3'
Protein context (NP_066550.2, residues 75-95): EEPAGGFEDA[Glu85Asp]GPRRQYGFMQ